The following is an entry in ClinVar:

ClinVar aggregate classification (germline): Uncertain significance (1 of 4 stars; one submission).

Conditions:
Cardiovascular phenotype. Identifiers: MedGen CN230736.

gnomAD v4.1: 4 of 1,613,532 alleles (0.00025%); highest among the groups gnomAD compares: South Asian, 0.0022%; no homozygotes.

Submission:

Ambry Genetics
Classification: Uncertain significance for Cardiovascular phenotype. Last evaluated: 2024-10-08. Review status: criteria provided, single submitter. Criteria: Ambry Variant Classification Scheme 2023. Collection method: clinical testing. Allele origin: germline.
Comment: The p.Q1602E variant (also known as c.4804C>G), located in coding exon 18 of the AKAP9 gene, results from a C to G substitution at nucleotide position 4804. The glutamine at codon 1602 is replaced by glutamic acid, an amino acid with highly similar properties. This amino acid position is conserved. In addition, this alteration is predicted to be tolerated by in silico analysis. Based on the available evidence, the clinical significance of this variant remains unclear.

NM_005751.5(AKAP9):c.4804C>G (p.Gln1602Glu)

Gene: AKAP9 (A-kinase anchoring protein 9; plus strand). Cytogenetic location: 7q21.2.
Variant type: single nucleotide variant.
Coding change: c.4804C>G on transcript NM_005751.5 (MANE Select); coding-DNA position 4804, C replaced by G.
Protein change: p.Gln1602Glu; replaces glutamine 1602 with glutamic acid.
Molecular consequence: missense variant.
Genome position (GRCh38, 1-based): chr7:92,040,785, C>G. VCF-style: chr7-92040785-C-G. GRCh37 (hg19) VCF-style: chr7-91670099-C-G.
Other names: c.4804C>G, p.Gln1602Glu (NM_147185.3); short protein forms Q1602E.
Identifiers: ClinVar variation 3516754 (VCV003516754.1).